The following is an entry in ClinVar:

NM_031935.3(HMCN1):c.12662A>G (p.Tyr4221Cys)

Gene: HMCN1 (hemicentin 1; plus strand). Cytogenetic location: 1q31.1.
Variant type: single nucleotide variant.
Coding change: c.12662A>G on transcript NM_031935.3 (MANE Select); coding-DNA position 12662, A replaced by G.
Protein change: p.Tyr4221Cys; replaces tyrosine 4221 with cysteine.
Molecular consequence: missense variant.
Genome position (GRCh38, 1-based): chr1:186,125,766, A>G. VCF-style: chr1-186125766-A-G. GRCh37 (hg19) VCF-style: chr1-186094898-A-G.
Other names: c.12662A>G (NM_031935.2); short protein forms Y4221C.
Identifiers: ClinVar variation 1437150 (VCV001437150.7), dbSNP rs377433759, ClinGen allele CA1294418.

ClinVar aggregate classification (germline): Uncertain significance. Review status: criteria provided, multiple submitters, no conflicts (2 of 4 stars). 2 submissions from 2 submitters: Uncertain significance (2). Last evaluated 2025-12-11.

Allele frequency attached by ClinVar (database versions not stated): gnomAD exomes 0.00002; ExAC 0.00004; TOPMed 0.00005; gnomAD 0.00006 and 0.00007; ESP Exome Variant Server 0.00015.
gnomAD v4.1: 34 of 1,613,106 alleles (0.0021%); highest among the groups gnomAD compares: Middle Eastern, 0.016%; no homozygotes.

Submissions (2):

Labcorp Genetics (formerly Invitae), Labcorp
Classification: Uncertain significance. Last evaluated: 2025-12-11. Review status: criteria provided, single submitter. Criteria: Invitae Variant Classification Sherloc (09022015). Collection method: clinical testing. Allele origin: germline.
Comment: This sequence change replaces tyrosine, which is neutral and polar, with cysteine, which is neutral and slightly polar, at codon 4221 of the HMCN1 protein (p.Tyr4221Cys). This variant is present in population databases (rs377433759, gnomAD 0.004%). This variant has not been reported in the literature in individuals affected with HMCN1-related conditions. ClinVar contains an entry for this variant (Variation ID: 1437150). An algorithm developed to predict the effect of missense changes on protein structure and function (PolyPhen-2) suggests that this variant is likely to be disruptive. In summary, the available evidence is currently insufficient to determine the role of this variant in disease. Therefore, it has been classified as a Variant of Uncertain Significance.

Ambry Genetics
Classification: Uncertain significance. Last evaluated: 2025-02-08. Review status: criteria provided, single submitter. Criteria: Ambry Variant Classification Scheme 2023. Collection method: clinical testing. Allele origin: germline.